The following is an entry in ClinVar:

NM_021628.3(ALOXE3):c.2032C>T (p.Arg678Cys)

Gene: ALOXE3 (arachidonate epidermal lipoxygenase 3; minus strand). Cytogenetic location: 17p13.1.
Variant type: single nucleotide variant.
Coding change: c.2032C>T on transcript NM_021628.3 (MANE Select); coding-DNA position 2032, C replaced by T.
Protein change: p.Arg678Cys; replaces arginine 678 with cysteine.
Molecular consequence: missense variant.
Genome position (GRCh38, 1-based): chr17:8,096,731, G>A on the plus strand (C>T on the coding strand, the complement: ALOXE3 is on the minus strand). VCF-style: chr17-8096731-G-A. GRCh37 (hg19) VCF-style: chr17-8000049-G-A.
Other names: c.2428C>T, p.Arg810Cys (NM_001165960.1); c.2029C>T, p.Arg677Cys (NM_001369446.1); short protein forms R678C, R810C, R677C.
Identifiers: ClinVar variation 325955 (VCV000325955.15), dbSNP rs143246503, ClinGen allele CA8367875.
Genomic context (GRCh38, chr17:8,096,731, plus strand): 5'-TGTAGGGCAGTGCCAGACCCTGGTTCCGCTCCTGGATGTCCCTTGAGATCTGGGCCAGGC[G>A]GCTCTGGAAGGCGGCGATGCTCCGCCTCGGGGCCTCCTCTGTGAAGTGCTCATCTGGGTA-3'
Protein context (NP_067641.2, residues 668-688): PRRSIAAFQS[Arg678Cys]LAQISRDIQE

ClinVar aggregate classification (germline): Benign. Review status: criteria provided, multiple submitters, no conflicts (2 of 4 stars). 4 submissions from 4 submitters: Benign (4). Last evaluated 2026-02-04.

Conditions:
Autosomal recessive congenital ichthyosis 3 (ARCI3). Also called: ICHTHYOSIS, LAMELLAR, 5. Identifiers: MedGen C3539888, MONDO:0011680, OMIM 606545.

Allele frequency attached by ClinVar (database versions not stated): ESP Exome Variant Server 0.00069; gnomAD 0.01031 and 0.01056; ExAC 0.01268; TOPMed 0.01545; 1000 Genomes Project 0.01777; gnomAD exomes 0.01797; 1000 Genomes Project 30x 0.02014.
gnomAD v4.1: 7,400 of 1,614,084 alleles (0.46%); highest among the groups gnomAD compares: Admixed American, 12%; 538 homozygotes.

Submissions (4):

Labcorp Genetics (formerly Invitae), Labcorp
Classification: Benign. Last evaluated: 2026-02-04. Review status: criteria provided, single submitter. Criteria: Invitae Variant Classification Sherloc (09022015). Collection method: clinical testing. Allele origin: germline.

GeneDx
Classification: Benign. Last evaluated: 2021-06-09. Review status: criteria provided, single submitter. Criteria: GeneDx Variant Classification Process June 2021. Collection method: clinical testing. Allele origin: germline. Affected: yes.

Illumina Laboratory Services, Illumina
Classification: Benign for Autosomal recessive congenital ichthyosis 3. Last evaluated: 2018-01-13. Review status: criteria provided, single submitter. Criteria: ICSL Variant Classification Criteria 13 December 2019. Collection method: clinical testing. Allele origin: germline.
Comment: This variant was observed in the ICSL laboratory as part of a predisposition screen in an ostensibly healthy population. It had not been previously curated by ICSL or reported in the Human Gene Mutation Database (HGMD: prior to June 1st, 2018), and was therefore a candidate for classification through an automated scoring system. Utilizing variant allele frequency, disease prevalence and penetrance estimates, and inheritance mode, an automated score was calculated to assess if this variant is too frequent to cause the disease. Based on the score and internal cut-off values, a variant classified as benign is not then subjected to further curation. The score for this variant resulted in a classification of benign for this disease.

Breakthrough Genomics
Classification: Benign. Review status: criteria provided, single submitter. Criteria: ACMG Guidelines, 2015. Collection method: not provided. Allele origin: germline. Inheritance: Autosomal recessive inheritance. Affected: yes.